The following is an entry in ClinVar:

NM_004304.5(ALK):c.4113A>C (p.Glu1371Asp)

Gene: ALK (ALK receptor tyrosine kinase; minus strand). Cytogenetic location: 2p23.2.
Variant type: single nucleotide variant.
Coding change: c.4113A>C on transcript NM_004304.5 (MANE Select); coding-DNA position 4113, A replaced by C.
Protein change: p.Glu1371Asp; replaces glutamic acid 1371 with aspartic acid.
Molecular consequence: missense variant.
Genome position (GRCh38, 1-based): chr2:29,196,821, T>G on the plus strand (A>C on the coding strand, the complement: ALK is on the minus strand). VCF-style: chr2-29196821-T-G. GRCh37 (hg19) VCF-style: chr2-29419687-T-G.
Other names: c.4113A>C (NM_004304.4); c.909A>C, p.Glu303Asp (NM_001353765.2); short protein forms E1371D, E303D.
Identifiers: ClinVar variation 1437375 (VCV001437375.7), dbSNP rs1287738986, ClinGen allele CA346465203.

ClinVar aggregate classification (germline): Uncertain significance. Review status: criteria provided, multiple submitters, no conflicts (2 of 4 stars). 2 submissions from 2 submitters: Uncertain significance (2). Last evaluated 2026-04-03.

Conditions:
Neuroblastoma, susceptibility to, 3. Also called: ALK-Related Neuroblastic Tumor Susceptibility. Identifiers: Orphanet 635, MedGen C2751681, MONDO:0013083, OMIM 613014.
Hereditary cancer-predisposing syndrome. Also called: Tumor predisposition; Neoplastic Syndromes, Hereditary; Hereditary Cancer Syndrome; Hereditary neoplastic syndrome. Identifiers: Orphanet 140162, MedGen C0027672, MeSH D009386, MONDO:0015356.

Allele frequency attached by ClinVar (database versions not stated): gnomAD exomes below 0.00001; TOPMed 0.00002.
gnomAD v4.1: 1 of 1,614,194 alleles (0.000062%); highest among the groups gnomAD compares: African/African-American, 0.0013%; no homozygotes.

Submissions (2):

Ambry Genetics
Classification: Uncertain significance for Hereditary cancer-predisposing syndrome. Last evaluated: 2026-04-03. Review status: criteria provided, single submitter. Criteria: Ambry Variant Classification Scheme 2023. Collection method: clinical testing. Allele origin: germline.
Comment: The p.E1371D variant (also known as c.4113A>C), located in coding exon 28 of the ALK gene, results from an A to C substitution at nucleotide position 4113. The glutamic acid at codon 1371 is replaced by aspartic acid, an amino acid with highly similar properties. This amino acid position is conserved. In addition, the in silico prediction for this alteration is inconclusive. Based on the available evidence, the clinical significance of this variant remains unclear.

Labcorp Genetics (formerly Invitae), Labcorp
Classification: Uncertain significance for Neuroblastoma, susceptibility to, 3. Last evaluated: 2023-11-03. Review status: criteria provided, single submitter. Criteria: Invitae Variant Classification Sherloc (09022015). Collection method: clinical testing. Allele origin: germline.
Comment: This sequence change replaces glutamic acid, which is acidic and polar, with aspartic acid, which is acidic and polar, at codon 1371 of the ALK protein (p.Glu1371Asp). This variant is present in population databases (no rsID available, gnomAD 0.007%). This variant has not been reported in the literature in individuals affected with ALK-related conditions. ClinVar contains an entry for this variant (Variation ID: 1437375). An algorithm developed to predict the effect of missense changes on protein structure and function (PolyPhen-2) suggests that this variant is likely to be disruptive. In summary, the available evidence is currently insufficient to determine the role of this variant in disease. Therefore, it has been classified as a Variant of Uncertain Significance.